The following is an entry in ClinVar:

NM_182895.5(SCARF2):c.2488G>A (p.Asp830Asn)

Gene: SCARF2 (scavenger receptor class F member 2; minus strand). Cytogenetic location: 22q11.21.
Variant type: single nucleotide variant.
Coding change: c.2488G>A on transcript NM_182895.5 (MANE Select); coding-DNA position 2488, G replaced by A.
Protein change: p.Asp830Asn; replaces aspartic acid 830 with asparagine.
Molecular consequence: missense variant.
Genome position (GRCh38, 1-based): chr22:20,425,488, C>T on the plus strand (G>A on the coding strand, the complement: SCARF2 is on the minus strand). VCF-style: chr22-20425488-C-T. GRCh37 (hg19) VCF-style: chr22-20779778-C-T.
Other names: c.2503G>A, p.Asp835Asn (NM_153334.7); c.2500G>A (NM_153334.4); short protein forms D830N, D835N.
Identifiers: ClinVar variation 1337651 (VCV001337651.6), dbSNP rs749349489, ClinGen allele CA10112157.

ClinVar aggregate classification (germline): Uncertain significance. Review status: criteria provided, multiple submitters, no conflicts (2 of 4 stars). 2 submissions from 2 submitters: Uncertain significance (2). Last evaluated 2023-04-25.

Conditions:
Inborn genetic diseases. Identifiers: MedGen C0950123, MeSH D030342.

Allele frequency attached by ClinVar (database versions not stated): TOPMed below 0.00001; gnomAD 0.00001 and 0.00004; gnomAD exomes 0.00004; ExAC 0.00009.
gnomAD v4.1: 42 of 1,365,498 alleles (0.0031%); highest among the groups gnomAD compares: South Asian, 0.067%; no homozygotes.

Submissions (2):

Ambry Genetics
Classification: Uncertain significance for Inborn genetic diseases. Last evaluated: 2023-04-25. Review status: criteria provided, single submitter. Criteria: Ambry Variant Classification Scheme 2023. Collection method: clinical testing. Allele origin: germline.

Genetic Services Laboratory, University of Chicago
Classification: Uncertain significance. Last evaluated: 2020-07-09. Review status: criteria provided, single submitter. Criteria: ACMG Guidelines, 2015. Collection method: clinical testing. Allele origin: germline. Affected: no.
Comment: DNA sequence analysis of the SCARF2 gene demonstrated a sequence change, c.2500G>A, in exon 11 that results in an amino acid change, p.Asp834Asn. This sequence change does not appear to have been previously described in patients with SCARF2-related disorders and has been described in the gnomAD database in three heterozygous individuals which corresponds to the population frequency of 0.0042% (dbSNP rs749349489). The p.Asp834Asn change affects a poorly conserved amino acid residue located in a domain of the SCARF2 protein that is not known to be functional. The p.Asp834Asn substitution appears to be benign using several in-silico pathogenicity prediction tools (SIFT, PolyPhen2, Align GVGD, REVEL). Due to these contrasting evidences and the lack of functional studies, the clinical significance of the p.Asp834Asn change remains unknown at this time.